The following is an entry in ClinVar:

ClinVar aggregate classification (germline): Uncertain significance. Review status: criteria provided, multiple submitters, no conflicts (2 of 4 stars). 11 submissions from 11 submitters: Uncertain significance (8). 3 of the submissions do not count toward it. Last evaluated 2026-07-29.

Conditions:
Cardiovascular phenotype. Identifiers: MedGen CN230736.
Hypertrophic cardiomyopathy 15. Identifiers: MedGen C2750459, MONDO:0013200, OMIM 613255.
Dilated cardiomyopathy 1W (CMD1W). Identifiers: Orphanet 154, MedGen C1969639, MONDO:0012667, OMIM 611407.
VCL-related disorder. Also called: VCL-related condition.

Allele frequency attached by ClinVar (database versions not stated): ESP Exome Variant Server 0.00031; gnomAD exomes 0.00009 and 0.00022; 1000 Genomes Project 0.00040; ExAC 0.00007; gnomAD 0.00011 and 0.00010; TOPMed 0.00007; 1000 Genomes Project 30x 0.00031.

Submissions (11):

Ambry Genetics
Classification: Uncertain significance for Cardiovascular phenotype. Last evaluated: 2026-07-29. Review status: criteria provided, single submitter. Criteria: Ambry Variant Classification Scheme 2023. Collection method: clinical testing. Allele origin: germline.
Comment: The c.688C>T (p.R230C) alteration is located in exon 6 (coding exon 6) of the VCL gene. This alteration results from a C to T substitution at nucleotide position 688, causing the arginine (R) at amino acid position 230 to be replaced by a cysteine (C). Based on data from gnomAD, the T allele has an overall frequency of 0.008% (23/282676) total alleles studied. The highest observed frequency was 0.016% (21/129060) of European (non-Finnish) alleles. Based on insufficient or conflicting evidence, the clinical significance of this alteration remains unclear.

Mayo Clinic Laboratories, Mayo Clinic
Classification: Uncertain significance. Last evaluated: 2025-10-20. Review status: criteria provided, single submitter. Criteria: ACMG Guidelines, 2015. Collection method: clinical testing. Allele origin: germline. Observed: 1 variant allele.
Comment: PP3

Labcorp Genetics (formerly Invitae), Labcorp
Classification: Uncertain significance for Dilated cardiomyopathy 1W. Last evaluated: 2025-01-23. Review status: criteria provided, single submitter. Criteria: Invitae Variant Classification Sherloc (09022015). Collection method: clinical testing. Allele origin: germline.
Comment: This sequence change replaces arginine, which is basic and polar, with cysteine, which is neutral and slightly polar, at codon 230 of the VCL protein (p.Arg230Cys). This variant is present in population databases (rs139312390, gnomAD 0.02%). This missense change has been observed in individual(s) with dilated cardiomyopathy (PMID: 31983221). ClinVar contains an entry for this variant (Variation ID: 45620). An algorithm developed to predict the effect of missense changes on protein structure and function (PolyPhen-2) suggests that this variant is likely to be disruptive. In summary, the available evidence is currently insufficient to determine the role of this variant in disease. Therefore, it has been classified as a Variant of Uncertain Significance.

PreventionGenetics, part of Exact Sciences
Classification: Uncertain significance for VCL-related condition. Last evaluated: 2024-11-13. Review status: criteria provided, single submitter. Criteria: ACMG Guidelines, 2015. Collection method: clinical testing. Allele origin: germline.
Comment: The VCL c.688C>T variant is predicted to result in the amino acid substitution p.Arg230Cys. This variant has been reported in an individual with dilated cardiomyopathy (Table S3, Mazzarotto et al. 2020. PubMed ID: 31983221). This variant is reported in 0.016% of alleles in individuals of European (Non-Finnish) descent in gnomAD. At this time, the clinical significance of this variant is uncertain due to the absence of conclusive functional and genetic evidence.

GeneDx
Classification: Uncertain significance. Last evaluated: 2022-12-13. Review status: criteria provided, single submitter. Criteria: GeneDx Variant Classification Process June 2021. Collection method: clinical testing. Allele origin: germline. Affected: yes.
Comment: Reported in association with DCM; however, specific clinical information was not provided (Mazzarotto et al., 2020); In silico analysis supports that this missense variant has a deleterious effect on protein structure/function; This variant is associated with the following publications: (PMID: 31983221)

Fulgent Genetics
Classification: Uncertain significance for Dilated cardiomyopathy 1W; Hypertrophic cardiomyopathy 15. Last evaluated: 2021-09-06. Review status: criteria provided, single submitter. Criteria: ACMG Guidelines, 2015. Collection method: clinical testing. Allele origin: unknown.

Biesecker Lab/Clinical Genomics Section, National Institutes of Health
Classification: Uncertain significance. Last evaluated: 2013-06-24. Review status: criteria provided, single submitter. Criteria: Ng et al. (Circ Cardiovasc Genet. 2013). Collection method: research. Allele origin: unknown. Observed: 1 variant allele. Study: ClinSeq.
Comment: The study set was not selected for affection status in relation to any cancer. Pathogenicity categories were based on literature curation. See Pubmed ID:23861362 for details.

Medical sequencing

Laboratory for Molecular Medicine, Mass General Brigham Personalized Medicine
Classification: Uncertain significance. Last evaluated: 2012-09-21. Review status: criteria provided, single submitter. Criteria: LMM Criteria. Collection method: clinical testing. Allele origin: germline. Observed: 1 variant allele.
Comment: It h as been identified in 3/8600 European American chromosomes from a broad populati on by the NHLBI Exome Sequencing Project (dbSN P rs139312390); however, this frequency is too low to rule out a role in disease . Computational analyses (conservation, biochemical amino acid properties, Align GVGD, and SIFT) suggest that this variant may impact the protein, though this in formation is not predictive enough to determine pathogenicity. In summary, addit ional information is needed to fully assess the clinical significance of this va riant.

Clinical Genetics DNA and cytogenetics Diagnostics Lab, Erasmus MC, Erasmus Medical Center
Classification: Uncertain significance. Review status: no assertion criteria provided. Collection method: clinical testing. Allele origin: germline. Affected: yes. Study: VKGL Data-share Consensus. Not counted in ClinVar's aggregate classification.

Clinical Genetics, Academic Medical Center
Classification: Uncertain significance. Review status: no assertion criteria provided. Collection method: clinical testing. Allele origin: germline. Affected: yes. Study: VKGL Data-share Consensus. Not counted in ClinVar's aggregate classification.

Diagnostic Laboratory, Department of Genetics, University Medical Center Groningen
Classification: Uncertain significance. Review status: no assertion criteria provided. Collection method: clinical testing. Allele origin: germline. Affected: yes. Study: VKGL Data-share Consensus. Not counted in ClinVar's aggregate classification.

Literature cited by the submitters: PubMed 31983221 (cited by Mayo Clinic Laboratories, Mayo Clinic and Labcorp Genetics (formerly Invitae), Labcorp).

NM_014000.3(VCL):c.688C>T (p.Arg230Cys)

Gene: VCL (vinculin; plus strand). Cytogenetic location: 10q22.2.
Variant type: single nucleotide variant.
Coding change: c.688C>T on transcript NM_014000.3 (MANE Select); coding-DNA position 688, C replaced by T.
Protein change: p.Arg230Cys; replaces arginine 230 with cysteine.
Molecular consequence: missense variant.
Genome position (GRCh38, 1-based): chr10:74,074,808, C>T. VCF-style: chr10-74074808-C-T. GRCh37 (hg19) VCF-style: chr10-75834566-C-T.
Other names: c.688C>T, p.Arg230Cys (NM_003373.4); short protein forms R230C.
Identifiers: ClinVar variation 45620 (VCV000045620.25), dbSNP rs139312390, ClinGen allele CA136805.
Genomic context (GRCh38, chr10:74,074,808, plus strand): 5'-AAGATTTTTGTAACAACTAAAAACTCAAAAAACCAAGGCATAGAGGAAGCTTTAAAAAAT[C>T]GCAATTTTACTGTAGAAAAAATGAGTGCTGAAATTAATGAGATAATTCGTGTGTTACAAC-3'
Protein context (NP_054706.1, residues 220-240): NQGIEEALKN[Arg230Cys]NFTVEKMSAE